The following is an entry in ClinVar:

ClinVar aggregate classification (germline): Uncertain significance (1 of 4 stars; one submission).

Conditions:
Stankiewicz-Isidor syndrome (STISS). Identifiers: MedGen C4479599, MONDO:0054591, OMIM 617516.

Allele frequency attached by ClinVar (database versions not stated): gnomAD exomes below 0.00001.
gnomAD v4.1: 2 of 1,613,236 alleles (0.00012%); highest among the groups gnomAD compares: South Asian, 0.0022%; no homozygotes.

Submission:

Baylor Genetics
Classification: Uncertain significance for Stankiewicz-Isidor syndrome. Last evaluated: 2019-07-26. Review status: criteria provided, single submitter. Criteria: ACMG Guidelines, 2015. Collection method: clinical testing. Allele origin: unknown. Affected: yes.
Comment: This variant was determined to be of uncertain significance according to ACMG Guidelines, 2015 [PMID:25741868].

NM_002816.5(PSMD12):c.355C>T (p.Pro119Ser)

Gene: PSMD12 (proteasome 26S subunit, non-ATPase 12; minus strand). Cytogenetic location: 17q24.2.
Variant type: single nucleotide variant.
Coding change: c.355C>T on transcript NM_002816.5 (MANE Select); coding-DNA position 355, C replaced by T.
Protein change: p.Pro119Ser; replaces proline 119 with serine.
Molecular consequence: missense variant.
Genome position (GRCh38, 1-based): chr17:67,350,279, G>A on the plus strand (C>T on the coding strand, the complement: PSMD12 is on the minus strand). VCF-style: chr17-67350279-G-A. GRCh37 (hg19) VCF-style: chr17-65346395-G-A.
Other names: c.178C>T, p.Pro60Ser (NM_001316341.2); c.295C>T, p.Pro99Ser (NM_174871.4); short protein forms P119S, P60S, P99S.
Identifiers: ClinVar variation 1029483 (VCV001029483.1), dbSNP rs2042005294, ClinGen allele CA400805501.